The following is an entry in ClinVar:

ClinVar aggregate classification (germline): Uncertain significance (1 of 4 stars; one submission).

Conditions:
Inborn genetic diseases. Identifiers: MedGen C0950123, MeSH D030342.

Submission:

Ambry Genetics
Classification: Uncertain significance for Inborn genetic diseases. Last evaluated: 2026-02-22. Review status: criteria provided, single submitter. Criteria: Ambry Variant Classification Scheme 2023. Collection method: clinical testing. Allele origin: germline.
Comment: The p.E207Q variant (also known as c.619G>C), located in coding exon 5 of the CEP57 gene, results from a G to C substitution at nucleotide position 619. The glutamic acid at codon 207 is replaced by glutamine, an amino acid with highly similar properties. This amino acid position is conserved. In addition, the in silico prediction for this alteration is inconclusive. Based on the available evidence, the clinical significance of this variant remains unclear.

NM_014679.5(CEP57):c.619G>C (p.Glu207Gln)

Gene: CEP57 (centrosomal protein 57; plus strand). Cytogenetic location: 11q21.
Variant type: single nucleotide variant.
Coding change: c.619G>C on transcript NM_014679.5 (MANE Select); coding-DNA position 619, G replaced by C.
Protein change: p.Glu207Gln; replaces glutamic acid 207 with glutamine.
Molecular consequence: missense variant. On other transcripts: intron variant (7).
Genome position (GRCh38, 1-based): chr11:95,817,901, G>C. VCF-style: chr11-95817901-G-C. GRCh37 (hg19) VCF-style: chr11-95551065-G-C.
Other names: c.592G>C, p.Glu198Gln (NM_001243776.2); c.619G>C, p.Glu207Gln (NM_001243777.2, NM_001440871.1, NM_001440874.1); c.538G>C, p.Glu180Gln (NM_001363604.2, NM_001440869.1, NM_001440870.1 and 1 more transcripts); c.439G>C, p.Glu147Gln (NM_001440873.1); c.358G>C, p.Glu120Gln (NM_001440880.1); c.424-926G>C (NM_001440877.1, NM_001440878.1); c.505-926G>C (NM_001440872.1, NM_001440876.1, NM_001440879.1 and 1 more transcripts); c.325-926G>C (NM_001440881.1); short protein forms E198Q, E180Q, E147Q, E207Q, E120Q.
Identifiers: ClinVar variation 4845109 (VCV004845109.1).
Genomic context (GRCh38, chr11:95,817,901, plus strand): 5'-GAAAAATTGGATCTTCTTGAACAGGAGTATAACAAACTTACCACAATGCAGGCCCTTGCA[G>C]AAGTCAGTGCATGTGTCTTTTTATTGTTAACATATATCAGGGTGGTTTTTTTTTAATGTT-3'
Protein context (NP_055494.2, residues 197-217): NKLTTMQALA[Glu207Gln]KKMQELEAKL